The following is an entry in ClinVar:

ClinVar aggregate classification (germline): Uncertain significance (1 of 4 stars; one submission).

Conditions:
Oligodontia-cancer predisposition syndrome. Also called: TOOTH AGENESIS-COLORECTAL CANCER SYNDROME. Identifiers: Orphanet 300576, MedGen C1837750, MONDO:0012075, OMIM 608615. Disease mechanism: loss of function.

Submission:

Labcorp Genetics (formerly Invitae), Labcorp
Classification: Uncertain significance for Oligodontia-cancer predisposition syndrome. Last evaluated: 2023-07-08. Review status: criteria provided, single submitter. Criteria: Invitae Variant Classification Sherloc (09022015). Collection method: clinical testing. Allele origin: germline.
Comment: This sequence change replaces histidine, which is basic and polar, with glutamine, which is neutral and polar, at codon 472 of the AXIN2 protein (p.His472Gln). In summary, the available evidence is currently insufficient to determine the role of this variant in disease. Therefore, it has been classified as a Variant of Uncertain Significance. Algorithms developed to predict the effect of missense changes on protein structure and function output the following: SIFT: "Not Available"; PolyPhen-2: "Benign"; Align-GVGD: "Not Available". The glutamine amino acid residue is found in multiple mammalian species, which suggests that this missense change does not adversely affect protein function. This variant has not been reported in the literature in individuals affected with AXIN2-related conditions. This variant is not present in population databases (gnomAD no frequency).

NM_004655.4(AXIN2):c.1416C>G (p.His472Gln)

Gene: AXIN2 (axin 2; minus strand). Cytogenetic location: 17q24.1.
Variant type: single nucleotide variant.
Coding change: c.1416C>G on transcript NM_004655.4 (MANE Select); coding-DNA position 1416, C replaced by G.
Protein change: p.His472Gln; replaces histidine 472 with glutamine.
Molecular consequence: missense variant.
Genome position (GRCh38, 1-based): chr17:65,537,620, G>C on the plus strand (C>G on the coding strand, the complement: AXIN2 is on the minus strand). VCF-style: chr17-65537620-G-C. GRCh37 (hg19) VCF-style: chr17-63533738-G-C.
Other names: c.1416C>G, p.His472Gln (NM_001363813.1); short protein forms H472Q.
Identifiers: ClinVar variation 2738809 (VCV002738809.3), dbSNP rs1555577879, ClinGen allele CA400677545.